The following is an entry in ClinVar:

ClinVar aggregate classification (germline): Uncertain significance (1 of 4 stars; one submission).

Conditions:
POLD1-related polyposis and colorectal cancer syndrome (CRCS10). Also called: Colorectal cancer 10; COLORECTAL CANCER, SUSCEPTIBILITY TO, ON CHROMOSOME 19q; Colorectal cancer, susceptibility to, 10. Identifiers: Orphanet 220460, MedGen C2675481, MONDO:0012953, OMIM 612591.

gnomAD v4.1: 1 of 1,566,346 alleles (0.000064%); no homozygotes.

Submission:

Labcorp Genetics (formerly Invitae), Labcorp
Classification: Uncertain significance for POLD1-related polyposis and colorectal cancer syndrome. Last evaluated: 2024-10-23. Review status: criteria provided, single submitter. Criteria: Invitae Variant Classification Sherloc (09022015). Collection method: clinical testing. Allele origin: germline.
Comment: This sequence change replaces leucine, which is neutral and non-polar, with proline, which is neutral and non-polar, at codon 995 of the POLD1 protein (p.Leu995Pro). This variant is not present in population databases (gnomAD no frequency). This variant has not been reported in the literature in individuals affected with POLD1-related conditions. Invitae Evidence Modeling of protein sequence and biophysical properties (such as structural, functional, and spatial information, amino acid conservation, physicochemical variation, residue mobility, and thermodynamic stability) indicates that this missense variant is not expected to disrupt POLD1 protein function with a negative predictive value of 80%. In summary, the available evidence is currently insufficient to determine the role of this variant in disease. Therefore, it has been classified as a Variant of Uncertain Significance.

NM_002691.4(POLD1):c.2984T>C (p.Leu995Pro)

Gene: POLD1 (DNA polymerase delta 1, catalytic subunit; plus strand). Cytogenetic location: 19q13.33.
Variant type: single nucleotide variant.
Coding change: c.2984T>C on transcript NM_002691.4 (MANE Select); coding-DNA position 2984, T replaced by C.
Protein change: p.Leu995Pro; replaces leucine 995 with proline.
Molecular consequence: missense variant. On other transcripts: non-coding transcript variant (1).
Genome position (GRCh38, 1-based): chr19:50,416,640, T>C. VCF-style: chr19-50416640-T-C. GRCh37 (hg19) VCF-style: chr19-50919897-T-C.
Other names: c.2984T>C, p.Leu995Pro (NM_001256849.1); c.3062T>C, p.Leu1021Pro (NM_001308632.1); short protein forms L1021P, L995P.
Identifiers: ClinVar variation 3660824 (VCV003660824.2).